The following is an entry in ClinVar:

NM_001286.5(CLCN6):c.1379T>G (p.Phe460Cys)

Gene: CLCN6 (chloride voltage-gated channel 6; plus strand). Cytogenetic location: 1p36.22.
Variant type: single nucleotide variant.
Coding change: c.1379T>G on transcript NM_001286.5 (MANE Select); coding-DNA position 1379, T replaced by G.
Protein change: p.Phe460Cys; replaces phenylalanine 460 with cysteine.
Molecular consequence: missense variant. On other transcripts: non-coding transcript variant (1).
Genome position (GRCh38, 1-based): chr1:11,833,883, T>G. VCF-style: chr1-11833883-T-G. GRCh37 (hg19) VCF-style: chr1-11893940-T-G.
Other names: c.1313T>G, p.Phe438Cys (NM_001256959.2); c.1379T>G (NM_001286.3); short protein forms F438C, F460C.
Identifiers: ClinVar variation 3493326 (VCV003493326.2).

ClinVar aggregate classification (germline): Uncertain significance. Review status: criteria provided, multiple submitters, no conflicts (2 of 4 stars). 2 submissions from 2 submitters: Uncertain significance (2). Last evaluated 2025-02-19.

gnomAD v4.1: 1 of 1,610,428 alleles (0.000062%); highest among the groups gnomAD compares: Non-Finnish European, 0.000085%; no homozygotes.

Submissions (2):

GeneDx
Classification: Uncertain significance. Last evaluated: 2025-02-19. Review status: criteria provided, single submitter. Criteria: GeneDx Variant Classification Process June 2021. Collection method: clinical testing. Allele origin: germline. Affected: yes.
Comment: Not observed at significant frequency in large population cohorts (gnomAD); In silico analysis supports that this missense variant has a deleterious effect on protein structure/function; Has not been previously published as pathogenic or benign to our knowledge

Ambry Genetics
Classification: Uncertain significance. Last evaluated: 2024-10-07. Review status: criteria provided, single submitter. Criteria: Ambry Variant Classification Scheme 2023. Collection method: clinical testing. Allele origin: germline.